The following is an entry in ClinVar:

ClinVar aggregate classification (germline): Conflicting classifications of pathogenicity. Review status: criteria provided, conflicting classifications (1 of 4 stars). 9 submissions from 9 submitters: Uncertain significance (2); Likely benign (4). 3 of the submissions do not count toward it. Last evaluated 2026-01-21.

Conditions:
ARYLSULFATASE A PSEUDODEFICIENCY. Identifiers: MedGen C4017091.
Metachromatic leukodystrophy (MLD). Also called: ARSA DEFICIENCY; CEREBROSIDE SULFATASE DEFICIENCY; SULFATIDE LIPIDOSIS; Cerebral sclerosis diffuse metachromatic form; Arylsulfatase A Deficiency; METACHROMATIC LEUKOENCEPHALOPATHY. Identifiers: Orphanet 512, MedGen C0023522, MONDO:0018868, OMIM 250100.
Intellectual disability. Also called: intellectual disabilities; Intellectual functioning disability; Intellectual developmental disorder. Identifiers: MedGen C3714756, MeSH D008607, MONDO:0001071, HP:0001249.

Allele frequency attached by ClinVar (database versions not stated): gnomAD 0.00010; TOPMed 0.00027.

Submissions (9):

Labcorp Genetics (formerly Invitae), Labcorp
Classification: Likely benign for Metachromatic leukodystrophy. Last evaluated: 2026-01-21. Review status: criteria provided, single submitter. Criteria: Invitae Variant Classification Sherloc (09022015). Collection method: clinical testing. Allele origin: germline.

Mayo Clinic Laboratories, Mayo Clinic
Classification: Likely benign. Last evaluated: 2025-10-20. Review status: criteria provided, single submitter. Criteria: ACMG Guidelines, 2015. Collection method: clinical testing. Allele origin: germline. Observed: 2 variant alleles.
Comment: BS1, BP4

Women's Health and Genetics/Laboratory Corporation of America, LabCorp
Classification: Likely benign. Last evaluated: 2025-07-18. Review status: criteria provided, single submitter. Criteria: LabCorp Variant Classification Summary - May 2015. Collection method: clinical testing. Allele origin: germline.
Comment: Variant summary: ARSA c.511G>A (p.Asp171Asn) results in a conservative amino acid change in the encoded protein sequence. Algorithms developed to predict the effect of missense changes on protein structure and function are either unavailable or do not agree on the potential impact of this missense change. The variant allele was found at a frequency of 0.00011 in 1611296 control chromosomes in the gnomAD database (v4), including 7 homozygotes. This frequency is not significantly higher than estimated for a pathogenic variant in ARSA causing Metachromatic Leukodystrophy (0.00011 vs 0.0028). c.511G>A has been observed in individual(s) affected with Metachromatic Leukodystrophy (Gieselmann_1994). These report(s) do not provide unequivocal conclusions about association of the variant with Metachromatic Leukodystrophy. To our knowledge, no experimental evidence demonstrating an impact on protein function has been reported. The following publications have been ascertained in the context of this evaluation (PMID: 16546179, 7866401, 19815439, 29961769, 15375602, 30026549). ClinVar contains an entry for this variant (Variation ID: 3069). Based on the evidence outlined above, the variant was classified as likely benign.

Blueprint Genetics
Classification: Uncertain significance. Last evaluated: 2024-11-06. Review status: criteria provided, single submitter. Criteria: ACMG Guidelines, 2015. Collection method: clinical testing. Allele origin: germline.

Victorian Clinical Genetics Services, Murdoch Childrens Research Institute
Classification: Likely benign for Metachromatic leukodystrophy. Last evaluated: 2020-10-15. Review status: criteria provided, single submitter. Criteria: ACMG Guidelines, 2015. Collection method: clinical testing. Allele origin: germline. Inheritance: Autosomal recessive inheritance.
Comment: Based on the classification scheme VCGS_Germline_v1.3.4, this variant is classified as Likely benign. Following criteria are met: 0102 - Loss of function is a known mechanism of disease in this gene and is associated with metachromatic leukodystrophy (MIM#250100). (I) 0106 - This gene is associated with autosomal recessive disease. (I) 0200 - Variant is predicted to result in a missense amino acid change from aspartic acid to asparagine. (I) 0251 - This variant is heterozygous. (I) 0308 - Population frequency for this variant is out of keeping with known incidence of metachromatic leukodystrophy (MIM#250100). (SB) 0309 - An alternative amino acid change at the same position has been observed in gnomAD (v2 and v3) (2 heterozygotes, 0 homozygotes). (I) 0503 - Missense variant consistently predicted to be tolerated by multiple in silico tools or not conserved in placental mammals with a minor amino acid change. (SB) 0600 - Variant is located in the annotated sulfatase domain (PDB). (I) 0705 - No comparable missense variants have previous evidence for pathogenicity. (I) 0808 - Previous reports of pathogenicity for this variant are conflicting. This variant has been previously described as pathogenic, but more recently as a VUS and likely benign. It has also been observed in an individual with ARSA pseudodeficiency with uncertain consequence (ClinVar, LOVD, PMID: 7866401, PMID: 30026549). (I) 0905 - No published segregation evidence has been identified for this variant. (I) 1007 - No published functional evidence has been identified for this variant. (I) 1208 - Inheritance information for this variant is not currently available in this individual. (I) Legend: (SP) - Supporting pathogenic, (I) - Information, (SB) - Supporting benign

Illumina Laboratory Services, Illumina
Classification: Uncertain significance for Metachromatic leukodystrophy. Last evaluated: 2017-04-28. Review status: criteria provided, single submitter. Criteria: ICSL Variant Classification Criteria 13 December 2019. Collection method: clinical testing. Allele origin: germline.
Comment: This variant was observed as part of a predisposition screen in an ostensibly healthy population. A literature search was performed for the gene, cDNA change, and amino acid change (where applicable). Publications were found based on this search. However, the evidence from the literature, in combination with allele frequency data from public databases where available, was not sufficient to rule this variant in or out of causing disease. Therefore, this variant is classified as a variant of unknown significance.

Centre de Biologie Pathologie Génétique, Centre Hospitalier Universitaire de Lille
Classification: Uncertain significance for Intellectual disability. Last evaluated: 2019-01-01. Review status: no assertion criteria provided. Collection method: clinical testing. Allele origin: unknown. Affected: yes. Not counted in ClinVar's aggregate classification.

OMIM
Classification: Pathogenic for ARYLSULFATASE A PSEUDODEFICIENCY. Last evaluated: 2018-11-07. Review status: no assertion criteria provided. Collection method: literature only. Allele origin: germline. Not counted in ClinVar's aggregate classification.

Counsyl
Classification: Uncertain significance for Metachromatic leukodystrophy. Last evaluated: 2017-01-31. Review status: no assertion criteria provided. Collection method: clinical testing. Allele origin: unknown. Not counted in ClinVar's aggregate classification.

Literature cited by the submitters: PubMed 29961769 (cited by Mayo Clinic Laboratories, Mayo Clinic and Women's Health and Genetics/Laboratory Corporation of America, LabCorp); PubMed 30026549 (cited by 3 submitters); PubMed 37381728 (cited by Mayo Clinic Laboratories, Mayo Clinic); PubMed 7866401 (cited by 5 submitters); PubMed 16546179 (cited by Women's Health and Genetics/Laboratory Corporation of America, LabCorp); PubMed 19815439 (cited by Women's Health and Genetics/Laboratory Corporation of America, LabCorp); PubMed 15375602 (cited by Women's Health and Genetics/Laboratory Corporation of America, LabCorp); PubMed 1671769 (cited by OMIM).

NM_000487.6(ARSA):c.511G>A (p.Asp171Asn)

Gene: ARSA (arylsulfatase A; minus strand). Cytogenetic location: 22q13.33.
Variant type: single nucleotide variant.
Coding change: c.511G>A on transcript NM_000487.6 (MANE Select); coding-DNA position 511, G replaced by A.
Protein change: p.Asp171Asn; replaces aspartic acid 171 with asparagine.
Molecular consequence: missense variant.
Genome position (GRCh38, 1-based): chr22:50,627,007, C>T on the plus strand (G>A on the coding strand, the complement: ARSA is on the minus strand). VCF-style: chr22-50627007-C-T. GRCh37 (hg19) VCF-style: chr22-51065435-C-T.
Other names: D169N; p.Asp169Asn; p.Asp171Asn; c.511G>A, p.Asp171Asn (NM_001085425.3, NM_001085426.3, NM_001085427.3); c.253G>A, p.Asp85Asn (NM_001085428.3, NM_001362782.2); c.505G>A (NM_000487.4); short protein forms D171N, D85N.
Identifiers: ClinVar variation 3069 (VCV000003069.27), dbSNP rs74315466, ClinGen allele CA115981.